The following is an entry in ClinVar:

NM_014254.3(RXYLT1):c.938A>G (p.Glu313Gly)

Gene: RXYLT1 (ribitol xylosyltransferase 1; plus strand). Cytogenetic location: 12q14.2.
Variant type: single nucleotide variant.
Coding change: c.938A>G on transcript NM_014254.3 (MANE Select); coding-DNA position 938, A replaced by G.
Protein change: p.Glu313Gly; replaces glutamic acid 313 with glycine.
Molecular consequence: missense variant.
Genome position (GRCh38, 1-based): chr12:63,808,698, A>G. VCF-style: chr12-63808698-A-G. GRCh37 (hg19) VCF-style: chr12-64202478-A-G.
Other names: c.158A>G, p.Glu53Gly (NM_001278237.2); short protein forms E313G, E53G.
Identifiers: ClinVar variation 1947718 (VCV001947718.5), dbSNP rs2500533205, ClinGen allele CA385659825.

ClinVar aggregate classification (germline): Uncertain significance (1 of 4 stars; one submission).

Allele frequency attached by ClinVar (database versions not stated): gnomAD exomes below 0.00001.
gnomAD v4.1: 1 of 1,600,462 alleles (0.000062%); highest among the groups gnomAD compares: Non-Finnish European, 0.000085%; no homozygotes.

Submission:

Labcorp Genetics (formerly Invitae), Labcorp
Classification: Uncertain significance. Last evaluated: 2024-10-24. Review status: criteria provided, single submitter. Criteria: Invitae Variant Classification Sherloc (09022015). Collection method: clinical testing. Allele origin: germline.
Comment: This sequence change replaces glutamic acid, which is acidic and polar, with glycine, which is neutral and non-polar, at codon 313 of the RXYLT1 protein (p.Glu313Gly). This variant is not present in population databases (gnomAD no frequency). This variant has not been reported in the literature in individuals affected with RXYLT1-related conditions. ClinVar contains an entry for this variant (Variation ID: 1947718). Invitae Evidence Modeling of protein sequence and biophysical properties (such as structural, functional, and spatial information, amino acid conservation, physicochemical variation, residue mobility, and thermodynamic stability) indicates that this missense variant is not expected to disrupt RXYLT1 protein function with a negative predictive value of 80%. In summary, the available evidence is currently insufficient to determine the role of this variant in disease. Therefore, it has been classified as a Variant of Uncertain Significance.